The following is an entry in ClinVar:

NM_002691.4(POLD1):c.2250+16_2250+37del

Gene: POLD1 (DNA polymerase delta 1, catalytic subunit; plus strand). Cytogenetic location: 19q13.33.
Variant type: Deletion.
Coding change: c.2250+16_2250+37del on transcript NM_002691.4 (MANE Select); bases 16 to 37 of the intron after coding-DNA position 2250, 22 bases deleted (CCGCTGCCCTGAGATGGGCCCA).
Molecular consequence: intron variant.
Genome position (GRCh38, 1-based): chr19:50,413,537-50,413,558, CCGCTGCCCTGAGATGGGCCCA deleted; deleting any 22 consecutive bases within chr19:50,413,532-50,413,558 gives the same sequence; the c. name uses the placement nearest the transcript's 3' end. VCF-style (leftmost placement, unchanged base first): chr19-50413531-TGCCCACCGCTGCCCTGAGATGG-T. GRCh37 (hg19) VCF-style: chr19-50916788-TGCCCACCGCTGCCCTGAGATGG-T.
Other names: c.2328+16_2328+37del (LRG_785t2, NM_001308632.1); c.2250+16_2250+37del (LRG_785t1, NM_001256849.1); c.2250+16_2250+37delCCGCTGCCCTGAGATGGGCCCA (NM_002691.3).
Identifiers: ClinVar variation 421108 (VCV000421108.8), dbSNP rs1064794915, ClinGen allele CA16620894.

ClinVar aggregate classification (germline): Likely benign. Review status: criteria provided, multiple submitters, no conflicts (2 of 4 stars). 2 submissions from 2 submitters: Likely benign (2). Last evaluated 2026-01-15.

Conditions:
POLD1-related polyposis and colorectal cancer syndrome (CRCS10). Also called: Colorectal cancer 10; COLORECTAL CANCER, SUSCEPTIBILITY TO, ON CHROMOSOME 19q; Colorectal cancer, susceptibility to, 10. Identifiers: Orphanet 220460, MedGen C2675481, MONDO:0012953, OMIM 612591.

Submissions (2):

Labcorp Genetics (formerly Invitae), Labcorp
Classification: Likely benign for POLD1-related polyposis and colorectal cancer syndrome. Last evaluated: 2026-01-15. Review status: criteria provided, single submitter. Criteria: Invitae Variant Classification Sherloc (09022015). Collection method: clinical testing. Allele origin: germline.

GeneDx
Classification: Likely benign. Last evaluated: 2016-05-06. Review status: criteria provided, single submitter. Criteria: GeneDx Variant Classification (06012015). Collection method: clinical testing. Allele origin: germline. Affected: yes.
Comment: This variant is considered likely benign or benign based on one or more of the following criteria: it is a conservative change, it occurs at a poorly conserved position in the protein, it is predicted to be benign by multiple in silico algorithms, and/or has population frequency not consistent with disease.